The following is an entry in ClinVar:

ClinVar aggregate classification (germline): Uncertain significance. Review status: criteria provided, multiple submitters, no conflicts (2 of 4 stars). 2 submissions from 2 submitters: Uncertain significance (2). Last evaluated 2024-04-30.

Allele frequency attached by ClinVar (database versions not stated): ExAC 0.00001; gnomAD exomes 0.00001.

Submissions (2):

Blueprint Genetics
Classification: Uncertain significance. Last evaluated: 2024-04-30. Review status: criteria provided, single submitter. Criteria: ACMG Guidelines, 2015. Collection method: clinical testing. Allele origin: germline.

Labcorp Genetics (formerly Invitae), Labcorp
Classification: Uncertain significance. Last evaluated: 2024-04-07. Review status: criteria provided, single submitter. Criteria: Invitae Variant Classification Sherloc (09022015). Collection method: clinical testing. Allele origin: germline.
Comment: This sequence change replaces alanine, which is neutral and non-polar, with valine, which is neutral and non-polar, at codon 504 of the ZNF408 protein (p.Ala504Val). This variant is present in population databases (rs764519905, gnomAD 0.01%). This variant has not been reported in the literature in individuals affected with ZNF408-related conditions. An algorithm developed to predict the effect of missense changes on protein structure and function (PolyPhen-2) suggests that this variant is likely to be disruptive. In summary, the available evidence is currently insufficient to determine the role of this variant in disease. Therefore, it has been classified as a Variant of Uncertain Significance.

NM_024741.3(ZNF408):c.1511C>T (p.Ala504Val)

Gene: ZNF408 (zinc finger protein 408; plus strand). Cytogenetic location: 11p11.2.
Variant type: single nucleotide variant.
Coding change: c.1511C>T on transcript NM_024741.3 (MANE Select); coding-DNA position 1511, C replaced by T.
Protein change: p.Ala504Val; replaces alanine 504 with valine.
Molecular consequence: missense variant.
Genome position (GRCh38, 1-based): chr11:46,705,211, C>T. VCF-style: chr11-46705211-C-T. GRCh37 (hg19) VCF-style: chr11-46726761-C-T.
Other names: c.1487C>T, p.Ala496Val (NM_001184751.2); short protein forms A496V, A504V.
Identifiers: ClinVar variation 2991373 (VCV002991373.4), dbSNP rs764519905, ClinGen allele CA5966587.